The following is an entry in ClinVar:

NM_152564.5(VPS13B):c.7519A>G (p.Met2507Val)

Gene: VPS13B (vacuolar protein sorting 13 homolog B; plus strand). Cytogenetic location: 8q22.2.
Variant type: single nucleotide variant.
Coding change: c.7519A>G on transcript NM_152564.5 (MANE Select); coding-DNA position 7519, A replaced by G.
Protein change: p.Met2507Val; replaces methionine 2507 with valine.
Molecular consequence: missense variant.
Genome position (GRCh38, 1-based): chr8:99,778,771, A>G. VCF-style: chr8-99778771-A-G. GRCh37 (hg19) VCF-style: chr8-100790999-A-G.
Other names: c.7594A>G (NM_017890.3); c.7594A>G, p.Met2532Val (NM_017890.5); short protein forms M2532V, M2507V.
Identifiers: ClinVar variation 1402523 (VCV001402523.4), dbSNP rs1467331063, ClinGen allele CA371876133.
Genomic context (GRCh38, chr8:99,778,771, plus strand): 5'-TCCGACAGAAATATGCCATCTGAACTAGAATACATGATTGTTTCCTTCAGAGAACCACAC[A>G]TGTATCTTCGACAGTGGAATAATGGTTCTGTCTGTCAGGAGATCCAGTTCTTAGCTCAAG-3'
Protein context (NP_689777.3, residues 2497-2517): YMIVSFREPH[Met2507Val]YLRQWNNGSV

ClinVar aggregate classification (germline): Uncertain significance. Review status: criteria provided, multiple submitters, no conflicts (2 of 4 stars). 2 submissions from 2 submitters: Uncertain significance (2). Last evaluated 2022-07-11.

Conditions:
Cohen syndrome (COH1). Also called: PEPPER SYNDROME; Cutis verticis gyrata, retinitis pigmentosa, and sensorineural deafness. Identifiers: Orphanet 193, MedGen C0265223, MONDO:0008999, OMIM 216550.
Inborn genetic diseases. Identifiers: MedGen C0950123, MeSH D030342.

Allele frequency attached by ClinVar (database versions not stated): gnomAD exomes 0.00001.
gnomAD v4.1: 2 of 1,613,972 alleles (0.00012%); highest among the groups gnomAD compares: East Asian, 0.0022%; no homozygotes.

Submissions (2):

Labcorp Genetics (formerly Invitae), Labcorp
Classification: Uncertain significance for Cohen syndrome. Last evaluated: 2022-07-11. Review status: criteria provided, single submitter. Criteria: Invitae Variant Classification Sherloc (09022015). Collection method: clinical testing. Allele origin: germline.
Comment: This sequence change replaces methionine with valine at codon 2532 of the VPS13B protein (p.Met2532Val). The methionine residue is weakly conserved and there is a small physicochemical difference between methionine and valine. This variant is present in population databases (no rsID available, gnomAD 0.006%). This variant has not been reported in the literature in individuals affected with VPS13B-related conditions. ClinVar contains an entry for this variant (Variation ID: 1402523). Algorithms developed to predict the effect of missense changes on protein structure and function output the following: SIFT: "Not Available"; PolyPhen-2: "Benign"; Align-GVGD: "Not Available". The valine amino acid residue is found in multiple mammalian species, which suggests that this missense change does not adversely affect protein function. In summary, the available evidence is currently insufficient to determine the role of this variant in disease. Therefore, it has been classified as a Variant of Uncertain Significance.

Ambry Genetics
Classification: Uncertain significance for Inborn genetic diseases. Last evaluated: 2021-12-03. Review status: criteria provided, single submitter. Criteria: Ambry Variant Classification Scheme 2023. Collection method: clinical testing. Allele origin: germline.